The following is an entry in ClinVar:

ClinVar aggregate classification (germline): Uncertain significance (1 of 4 stars; one submission).

Conditions:
Hematuria, benign familial, 1 (BFH1). Also called: THIN MEMBRANE NEPHROPATHY. Identifiers: MedGen CN376803, MONDO:0007709, OMIM 141200.

Submission:

Department of Nephrology, Rheumatology and Immunology, Shanghai Children's Hospital
Classification: Uncertain significance for Hematuria, benign familial, 1. Last evaluated: 2017-09-10. Review status: criteria provided, single submitter. Criteria: ACMG Guidelines, 2015. Collection method: clinical testing. Allele origin: maternal. Affected: yes. Observed: 1 variant allele.
Comment: COL4A4 (NM_000092.5; c.3611G>C; p.Gly1204Ala; EX39/CDS38; Het): A missense variant without published pathogenic evidence. Functional prediction by SIFT and PolyPhen showed damaging outcomes, and its allele frequency in normal populations is very low. Combined with disease prevalence, database variant frequencies and the proband’s clinical manifestations, the variant was determined to be VUS.

NM_000092.5(COL4A4):c.3611G>C (p.Gly1204Ala)

Gene: COL4A4 (collagen type IV alpha 4 chain; minus strand). Cytogenetic location: 2q36.3.
Variant type: single nucleotide variant.
Coding change: c.3611G>C on transcript NM_000092.5 (MANE Select); coding-DNA position 3611, G replaced by C.
Protein change: p.Gly1204Ala; replaces glycine 1204 with alanine.
Molecular consequence: missense variant.
Genome position (GRCh38, 1-based): chr2:227,032,243, C>G on the plus strand (G>C on the coding strand, the complement: COL4A4 is on the minus strand). VCF-style: chr2-227032243-C-G. GRCh37 (hg19) VCF-style: chr2-227896959-C-G.
Other names: short protein forms G1204A.
Identifiers: ClinVar variation 4875524 (VCV004875524.1).